The following is an entry in ClinVar:

ClinVar aggregate classification (germline): Pathogenic (1 of 4 stars; one submission).

Submission:

GeneDx
Classification: Pathogenic. Last evaluated: 2017-08-10. Review status: criteria provided, single submitter. Criteria: GeneDx Variant Classification (06012015). Collection method: clinical testing. Allele origin: germline. Affected: yes.
Comment: The c.1263-2A>G variant in the MAOA gene has not been reported previously as a pathogenic variant nor as a benign variant, to our knowledge. This splice site variant destroys the canonical splice acceptor site in intron 12. It is predicted to cause abnormal gene splicing, either leading to an abnormal message that is subject to nonsense-mediated mRNA decay, or to an abnormal protein product if the message is used for protein translation. The c.1263-2A>G variant is not observed in large population cohorts (Lek et al., 2016; 1000 Genomes Consortium et al., 2015; Exome Variant Server). We interpret c.1263-2A>G as a pathogenic variant.

NM_000240.4(MAOA):c.1263-2A>G

Gene: MAOA (monoamine oxidase A; plus strand). Cytogenetic location: Xp11.3.
Variant type: single nucleotide variant.
Coding change: c.1263-2A>G on transcript NM_000240.4 (MANE Select); the canonical splice acceptor site of the intron before coding-DNA position 1263, A replaced by G.
Molecular consequence: splice acceptor variant.
Genome position (GRCh38, 1-based): chrX:43,743,792, A>G. VCF-style: chrX-43743792-A-G. GRCh37 (hg19) VCF-style: chrX-43603039-A-G.
Other names: c.864-2A>G (NM_001270458.2).
Identifiers: ClinVar variation 451098 (VCV000451098.2), dbSNP rs1555951288, ClinGen allele CA413010162.